The following is an entry in ClinVar:

NM_177531.6(PKHD1L1):c.7437C>A (p.His2479Gln)

Gene: PKHD1L1 (PKHD1 like 1; plus strand). Cytogenetic location: 8q23.1.
Variant type: single nucleotide variant.
Coding change: c.7437C>A on transcript NM_177531.6 (MANE Select); coding-DNA position 7437, C replaced by A.
Protein change: p.His2479Gln; replaces histidine 2479 with glutamine.
Molecular consequence: missense variant.
Genome position (GRCh38, 1-based): chr8:109,464,269, C>A. VCF-style: chr8-109464269-C-A. GRCh37 (hg19) VCF-style: chr8-110476498-C-A.
Other names: H2479Q.
Identifiers: ClinVar variation 3220945 (VCV003220945.3), dbSNP rs529097022, ClinGen allele CA4845829.
Genomic context (GRCh38, chr8:109,464,269, plus strand): 5'-TTAACAGGTATTCCATGCTGGCCAGGCTTTCCGGTTGGGGCGATATCCAATACATTGGCA[C>A]CTGCTTGGAGACTTACAGTTTAAATCTTATGTAAGAGGCTGTGCAATTCACCAGGCCTAT-3'
Protein context (NP_803875.2, residues 2469-2489): FRLGRYPIHW[His2479Gln]LLGDLQFKSY

ClinVar aggregate classification (germline): Conflicting classifications of pathogenicity. Review status: criteria provided, conflicting classifications (1 of 4 stars). 3 submissions from 3 submitters: Likely pathogenic (1); Uncertain significance (1). 1 of the submissions does not count toward it. Last evaluated 2025-01-14.

Conditions:
Autosomal recessive nonsyndromic hearing loss 124. Also called: DEAFNESS, AUTOSOMAL RECESSIVE 124. Identifiers: MedGen C5935612, MONDO:0968981, OMIM 620794.

Allele frequency attached by ClinVar (database versions not stated): TOPMed 0.00003; gnomAD 0.00010; gnomAD exomes 0.00014; 1000 Genomes Project 0.00020; ExAC 0.00024; 1000 Genomes Project 30x 0.00031.
gnomAD v4.1: 210 of 1,612,128 alleles (0.013%); highest among the groups gnomAD compares: South Asian, 0.22%; 1 homozygote.

Submissions (3):

First Genomix Gene Laboratory, Genetic Diagnostics Department
Classification: Likely pathogenic for Autosomal recessive nonsyndromic hearing loss 124. Last evaluated: 2025-01-14. Review status: criteria provided, single submitter. Criteria: ACMG Guidelines, 2015. Collection method: clinical testing. Allele origin: germline. Inheritance: Autosomal recessive inheritance. Affected: no. Observed: 1 variant allele.

3billion
Classification: Uncertain significance for Autosomal recessive nonsyndromic hearing loss 124. Last evaluated: 2024-07-24. Review status: criteria provided, single submitter. Criteria: ACMG Guidelines, 2015. Collection method: clinical testing. Allele origin: germline. Affected: yes.
Comment: The variant is observed at an extremely low frequency in the gnomAD v4.0.0 dataset (total allele frequency: 0.013%). Predicted Consequence/Location: Missense variant In silico tool predictions suggest damaging effect of the variant on gene or gene product [REVEL: 0.72 (>=0.6, sensitivity 0.68 and specificity 0.92)]. The same nucleotide change resulting in the same amino acid change has been previously reported to be associated with PKHD1L1 related disorder (ClinVar ID: VCV003220945). However, the evidence of pathogenicity is insufficient at this time. Therefore, this variant is classified as VUS according to the recommendation of ACMG/AMP guideline.

OMIM
Classification: Pathogenic for DEAFNESS, AUTOSOMAL RECESSIVE 124. Last evaluated: 2024-04-23. Review status: no assertion criteria provided. Collection method: literature only. Allele origin: germline. Not counted in ClinVar's aggregate classification.

Literature cited by the submitters: PubMed 38459354 (cited by OMIM).